The following is an entry in ClinVar:

ClinVar aggregate classification (germline): Uncertain significance. Review status: criteria provided, multiple submitters, no conflicts (2 of 4 stars). 2 submissions from 2 submitters: Uncertain significance (2). Last evaluated 2024-10-01.

Conditions:
Inborn genetic diseases. Identifiers: MedGen C0950123, MeSH D030342.

Allele frequency attached by ClinVar (database versions not stated): TOPMed 0.00002; gnomAD 0.00003; gnomAD exomes 0.00003.
gnomAD v4.1: 39 of 1,610,130 alleles (0.0024%); highest among the groups gnomAD compares: Non-Finnish European, 0.0032%; no homozygotes.

Submissions (2):

Ambry Genetics
Classification: Uncertain significance for Inborn genetic diseases. Last evaluated: 2024-10-01. Review status: criteria provided, single submitter. Criteria: Ambry Variant Classification Scheme 2023. Collection method: clinical testing. Allele origin: germline.

Labcorp Genetics (formerly Invitae), Labcorp
Classification: Uncertain significance. Last evaluated: 2021-09-17. Review status: criteria provided, single submitter. Criteria: Invitae Variant Classification Sherloc (09022015). Collection method: clinical testing. Allele origin: germline.
Comment: This sequence change replaces alanine with valine at codon 497 of the C9 protein (p.Ala497Val). The alanine residue is highly conserved and there is a small physicochemical difference between alanine and valine. This variant is not present in population databases (ExAC no frequency). This variant has not been reported in the literature in individuals affected with C9-related conditions. Algorithms developed to predict the effect of missense changes on protein structure and function are either unavailable or do not agree on the potential impact of this missense change (SIFT: "Not Available"; PolyPhen-2: "Probably Damaging"; Align-GVGD: "Not Available"). In summary, the available evidence is currently insufficient to determine the role of this variant in disease. Therefore, it has been classified as a Variant of Uncertain Significance.

NM_001737.5(C9):c.1490C>T (p.Ala497Val)

Gene: C9 (complement C9; minus strand). Cytogenetic location: 5p13.1.
Variant type: single nucleotide variant.
Coding change: c.1490C>T on transcript NM_001737.5 (MANE Select); coding-DNA position 1490, C replaced by T.
Protein change: p.Ala497Val; replaces alanine 497 with valine.
Molecular consequence: missense variant.
Genome position (GRCh38, 1-based): chr5:39,288,878, G>A on the plus strand (C>T on the coding strand, the complement: C9 is on the minus strand). VCF-style: chr5-39288878-G-A. GRCh37 (hg19) VCF-style: chr5-39288980-G-A.
Other names: c.1490C>T (NM_001737.3); short protein forms A497V.
Identifiers: ClinVar variation 1488530 (VCV001488530.4), dbSNP rs1269774598, ClinGen allele CA359619371.